The following is an entry in ClinVar:

NM_001267550.2(TTN):c.9088G>A (p.Val3030Ile)

Gene: TTN (titin; minus strand). Cytogenetic location: 2q31.2.
Variant type: single nucleotide variant.
Coding change: c.9088G>A on transcript NM_001267550.2 (MANE Select); coding-DNA position 9088, G replaced by A.
Protein change: p.Val3030Ile; replaces valine 3030 with isoleucine.
Molecular consequence: missense variant.
Genome position (GRCh38, 1-based): chr2:178,768,748, C>T on the plus strand (G>A on the coding strand, the complement: TTN is on the minus strand). VCF-style: chr2-178768748-C-T. GRCh37 (hg19) VCF-style: chr2-179633475-C-T.
Other names: c.9088G>A, p.Val3030Ile (NM_001256850.1, NM_133378.4, NM_133379.5); c.8950G>A, p.Val2984Ile (NM_003319.4, NM_133432.3, NM_133437.4); short protein forms V3030I, V2984I.
Identifiers: ClinVar variation 1765236 (VCV001765236.4), dbSNP rs895908518, ClinGen allele CA61002322.
Genomic context (GRCh38, chr2:178,768,748, plus strand): 5'-TGGCTGTTGATGTTGCTTTTCCAGCCACAAAGGTGTAGTCAGCAGCATCCCCAAAGTGAA[C>T]ATTCCTGATGTTCAGTGAGTGTGTGAGCTTTTTGGTTCTCATCTGGCACTTGTCAGTTGA-3'
Protein context (NP_001254479.2, residues 3020-3040): KLTHSLNIRN[Val3030Ile]HFGDAADYTF

ClinVar aggregate classification (germline): Uncertain significance. Review status: criteria provided, multiple submitters, no conflicts (2 of 4 stars). 3 submissions from 3 submitters: Uncertain significance (3). Last evaluated 2025-06-03.

Conditions:
Cardiovascular phenotype. Identifiers: MedGen CN230736.

Allele frequency attached by ClinVar (database versions not stated): gnomAD exomes below 0.00001; gnomAD 0.00001; TOPMed 0.00001.
gnomAD v4.1: 4 of 1,614,006 alleles (0.00025%); highest among the groups gnomAD compares: Non-Finnish European, 0.00034%; no homozygotes.

Submissions (3):

Revvity Omics, Revvity
Classification: Uncertain significance. Last evaluated: 2025-06-03. Review status: criteria provided, single submitter. Criteria: ACMG Guidelines, 2015. Collection method: clinical testing. Allele origin: germline.

GeneDx
Classification: Uncertain significance. Last evaluated: 2024-11-26. Review status: criteria provided, single submitter. Criteria: GeneDx Variant Classification Process June 2021. Collection method: clinical testing. Allele origin: germline. Affected: yes.
Comment: Not observed at significant frequency in large population cohorts (gnomAD); Missense variant in a gene in which most reported pathogenic variants are truncating/loss of function; Has not been previously published as pathogenic or benign to our knowledge

Ambry Genetics
Classification: Uncertain significance for Cardiovascular phenotype. Last evaluated: 2020-03-06. Review status: criteria provided, single submitter. Criteria: Ambry Variant Classification Scheme 2023. Collection method: clinical testing. Allele origin: germline.
Comment: The p.V2984I variant (also known as c.8950G>A), located in coding exon 36 of the TTN gene, results from a G to A substitution at nucleotide position 8950. The valine at codon 2984 is replaced by isoleucine, an amino acid with highly similar properties. This amino acid position is highly conserved in available vertebrate species. In addition, this alteration is predicted to be tolerated by in silico analysis. Since supporting evidence is limited at this time, the clinical significance of this alteration remains unclear.